The following is an entry in ClinVar:

ClinVar aggregate classification (germline): Uncertain significance (1 of 4 stars; one submission).

Conditions:
CHMP2B-related disorder. Also called: CHMP2B-related condition.

Allele frequency attached by ClinVar (database versions not stated): ExAC 0.00002.
gnomAD v4.1: 14 of 1,612,362 alleles (0.00087%); highest among the groups gnomAD compares: Non-Finnish European, 0.0011%; no homozygotes.

Submission:

PreventionGenetics, part of Exact Sciences
Classification: Uncertain significance for CHMP2B-related condition. Last evaluated: 2023-02-14. Review status: criteria provided, single submitter. Criteria: ACMG Guidelines, 2015. Collection method: clinical testing. Allele origin: germline.
Comment: The CHMP2B c.557G>A variant is predicted to result in the amino acid substitution p.Arg186Gln. This variant was reported in an individual with frontotemporal dementia (Bartoletti-Stella et al 2021. PubMed ID: 33770234). This variant is reported in 0.0018% of alleles in individuals of European (Non-Finnish) descent in gnomAD. At this time, the clinical significance of this variant is uncertain due to the absence of conclusive functional and genetic evidence.

NM_014043.4(CHMP2B):c.557G>A (p.Arg186Gln)

Gene: CHMP2B (charged multivesicular body protein 2B; plus strand). Cytogenetic location: 3p11.2.
Variant type: single nucleotide variant.
Coding change: c.557G>A on transcript NM_014043.4 (MANE Select); coding-DNA position 557, G replaced by A.
Protein change: p.Arg186Gln; replaces arginine 186 with glutamine.
Molecular consequence: missense variant.
Genome position (GRCh38, 1-based): chr3:87,253,737, G>A. VCF-style: chr3-87253737-G-A. GRCh37 (hg19) VCF-style: chr3-87302887-G-A.
Other names: c.434G>A, p.Arg145Gln (NM_001244644.2); c.653G>A, p.Arg218Gln (NM_001410777.1); short protein forms R145Q, R186Q, R218Q.
Identifiers: ClinVar variation 2636810 (VCV002636810.1), dbSNP rs747423794, ClinGen allele CA2501036.